The following is an entry in ClinVar:

ClinVar aggregate classification (germline): Likely benign. Review status: criteria provided, multiple submitters, no conflicts (2 of 4 stars). 3 submissions from 3 submitters: Likely benign (2). 1 of the submissions does not count toward it. Last evaluated 2024-02-05.

Conditions:
PIK3CA-related disorder. Also called: PIK3CA- related disease; PIK3CA-related condition; PIK3CA-related disorders.
Cowden syndrome (CS). Also called: Cowden's disease; Cowden's syndrome; Cowden disease. Identifiers: Orphanet 201, MedGen C0018553, MONDO:0016063. Disease mechanism: gain of function.
Cowden syndrome 1 (CWS1). Also called: PTEN-Related Cowden Syndrome. Identifiers: MedGen CN072330, MONDO:0008021, OMIM 158350. Disease mechanism: gain of function.

Allele frequency attached by ClinVar (database versions not stated): gnomAD exomes 0.00001 and 0.00003; ExAC 0.00001; gnomAD 0.00001; TOPMed 0.00002.
gnomAD v4.1: 36 of 1,437,368 alleles (0.0025%); highest among the groups gnomAD compares: Non-Finnish European, 0.0034%; no homozygotes.

Submissions (3):

Labcorp Genetics (formerly Invitae), Labcorp
Classification: Likely benign for Cowden syndrome. Last evaluated: 2024-02-05. Review status: criteria provided, single submitter. Criteria: Invitae Variant Classification Sherloc (09022015). Collection method: clinical testing. Allele origin: germline.

Mendelics
Classification: Likely benign for Cowden syndrome 1. Last evaluated: 2019-05-28. Review status: criteria provided, single submitter. Criteria: Mendelics Assertion Criteria 2017. Collection method: clinical testing. Allele origin: unknown.

PreventionGenetics, part of Exact Sciences
Classification: Likely benign for PIK3CA-related condition. Last evaluated: 2022-06-15. Review status: no assertion criteria provided. Collection method: clinical testing. Allele origin: germline. Not counted in ClinVar's aggregate classification.
Comment: This variant is classified as likely benign based on ACMG/AMP sequence variant interpretation guidelines (Richards et al. 2015 PMID: 25741868, with internal and published modifications).

NM_006218.4(PIK3CA):c.1060-9T>C

Gene: PIK3CA (phosphatidylinositol-4,5-bisphosphate 3-kinase catalytic subunit alpha; plus strand). Cytogenetic location: 3q26.32.
Variant type: single nucleotide variant.
Coding change: c.1060-9T>C on transcript NM_006218.4 (MANE Select); 9 bases into the intron before coding-DNA position 1060, T replaced by C.
Molecular consequence: intron variant.
Genome position (GRCh38, 1-based): chr3:179,204,494, T>C. VCF-style: chr3-179204494-T-C. GRCh37 (hg19) VCF-style: chr3-178922282-T-C.
Other names: c.1060-9T>C (NM_006218.3).
Identifiers: ClinVar variation 698098 (VCV000698098.14), dbSNP rs750875731, ClinGen allele CA2710642.